The following is an entry in ClinVar:

ClinVar aggregate classification (germline): Likely pathogenic (1 of 4 stars; one submission).

Conditions:
Pseudohypoaldosteronism type 2E (PHA2E). Also called: Pseudohypoaldosteronism Type IIE. Identifiers: Orphanet 300530, Orphanet 757, MedGen C3469606, MONDO:0013782, OMIM 614496.

Submission:

MVZ Medizinische Genetik Mainz
Classification: Likely pathogenic for Pseudohypoaldosteronism type 2E. Last evaluated: 2023-05-23. Review status: criteria provided, single submitter. Criteria: UK Practice Guidelines For Variant Classification V4 01 2020. Collection method: clinical testing. Allele origin: germline. Inheritance: Autosomal dominant inheritance. Affected: yes. Observed: 1 variant allele.
Comment: ACMG Criteria: PM1_SUP,PM2_SUP,PM6,,PP3,PP4

NM_003590.5(CUL3):c.1310C>T (p.Ala437Val)

Gene: CUL3 (cullin 3; minus strand). Cytogenetic location: 2q36.2.
Variant type: single nucleotide variant.
Coding change: c.1310C>T on transcript NM_003590.5 (MANE Select); coding-DNA position 1310, C replaced by T.
Protein change: p.Ala437Val; replaces alanine 437 with valine.
Molecular consequence: missense variant.
Genome position (GRCh38, 1-based): chr2:224,503,719, G>A on the plus strand (C>T on the coding strand, the complement: CUL3 is on the minus strand). VCF-style: chr2-224503719-G-A. GRCh37 (hg19) VCF-style: chr2-225368436-G-A.
Other names: c.1112C>T, p.Ala371Val (NM_001257197.2); c.1328C>T, p.Ala443Val (NM_001257198.2); short protein forms A371V, A437V, A443V.
Identifiers: ClinVar variation 4526517 (VCV004526517.1).